The following is an entry in ClinVar:

NM_020297.4(ABCC9):c.1320+1G>A

Gene: ABCC9 (ATP binding cassette subfamily C member 9; minus strand). Cytogenetic location: 12p12.1.
Variant type: single nucleotide variant.
Coding change: c.1320+1G>A on transcript NM_020297.4 (MANE Select); the canonical splice donor site of the intron after coding-DNA position 1320, G replaced by A.
Molecular consequence: splice donor variant.
Genome position (GRCh38, 1-based): chr12:21,910,156, C>T on the plus strand (G>A on the coding strand, the complement: ABCC9 is on the minus strand). VCF-style: chr12-21910156-C-T. GRCh37 (hg19) VCF-style: chr12-22063090-C-T.
Other names: IVS8DS, G-A, +1; c.456+1G>A (NM_001377274.1); c.1320+1G>A (NM_005691.4, NM_001377273.1).
Identifiers: ClinVar variation 264611 (VCV000264611.56), dbSNP rs139620148, ClinGen allele CA6481691.
Genomic context (GRCh38, chr12:21,910,156, plus strand): 5'-ACTGCTTTTTTTGTTTTATTTCCTCTGCAGACAAAAATCTTACTTATATTTATCTACCTA[C>T]CTGAACAGGCATAGCCCATAGATTGGGACACAGGAACAAAAACCACATGAGTTGATTAGT-3'

ClinVar aggregate classification (germline): Conflicting classifications of pathogenicity. Review status: criteria provided, conflicting classifications (1 of 4 stars). 6 submissions from 6 submitters: Pathogenic (2); Uncertain significance (2); Likely benign (1). 1 of the submissions does not count toward it. Last evaluated 2026-01-10.

Conditions:
Intellectual disability and myopathy syndrome (IDMYS). Identifiers: MedGen C5676904, MONDO:0859224, OMIM 619719.
Cardiovascular phenotype. Identifiers: MedGen CN230736.
Dilated cardiomyopathy 1O (CMD1O). Also called: CARDIOMYOPATHY, DILATED, WITH VENTRICULAR TACHYCARDIA. Identifiers: Orphanet 154, MedGen C1837839, MONDO:0012062, OMIM 608569.

Allele frequency attached by ClinVar (database versions not stated): TOPMed 0.00005; ExAC 0.00006; gnomAD exomes 0.00006 and 0.00009; gnomAD 0.00008 and 0.00009; ESP Exome Variant Server 0.00015.
gnomAD v4.1: 102 of 1,608,748 alleles (0.0063%); highest among the groups gnomAD compares: Non-Finnish European, 0.005%; no homozygotes.

Submissions (6):

Labcorp Genetics (formerly Invitae), Labcorp
Classification: Pathogenic for Dilated cardiomyopathy 1O. Last evaluated: 2026-01-10. Review status: criteria provided, single submitter. Criteria: Invitae Variant Classification Sherloc (09022015). Collection method: clinical testing. Allele origin: germline.
Comment: This sequence change affects a donor splice site in intron 8 of the ABCC9 gene. RNA analysis indicates that disruption of this splice site induces altered splicing and likely results in a shortened protein product. This variant is present in population databases (rs139620148, gnomAD 0.07%). Disruption of this splice site has been observed in individual(s) with autosomal recessive intellectual disability and myopathy syndrome (PMID: 31575858). It has also been observed to segregate with disease in related individuals. ClinVar contains an entry for this variant (Variation ID: 264611). Studies have shown that disruption of this splice site results in skipping of exon 8, but is expected to preserve the integrity of the reading-frame (PMID: 31575858). For these reasons, this variant has been classified as Pathogenic.

Blueprint Genetics
Classification: Likely benign. Last evaluated: 2024-09-12. Review status: criteria provided, single submitter. Criteria: ACMG Guidelines, 2015. Collection method: clinical testing. Allele origin: germline.

GeneDx
Classification: Uncertain significance. Last evaluated: 2024-07-16. Review status: criteria provided, single submitter. Criteria: GeneDx Variant Classification Process June 2021. Collection method: clinical testing. Allele origin: germline. Affected: yes.
Comment: Identified in a cohort of patients who survived sudden cardiac arrest and in a cohort of patients with cardiomyopathy (PMID: 35653365, 30975432); Identified in the homozygous state in multiple patients with ABCC9-related Intellectual disability Myopathy Syndrome (AIMS) (PMID: 31575858, 38217872); Segregates with ABCC9-related intellectual disability myopathy syndrome in many affected homozygous individuals from two families in published literature (PMID: 31575858); A published RNA functional study suggests a damaging effect as c.1320+1G>A results in an in-frame loss of exon 8 (PMID: 31575858); Canonical splice site variant in a gene or region of a gene for which loss of function is not a well-established mechanism of disease; This variant is associated with the following publications: (PMID: 31575858, 38217872, 1575858, 35653365, 30975432)

Ambry Genetics
Classification: Uncertain significance for Cardiovascular phenotype. Last evaluated: 2023-06-07. Review status: criteria provided, single submitter. Criteria: Ambry Variant Classification Scheme 2023. Collection method: clinical testing. Allele origin: germline.
Comment: The c.1320+1G>A intronic variant results from a G to A substitution one nucleotide after coding exon 8 of the ABCC9 gene. This variant has been detected in the homozygous state in individuals from families of probable Finnish ancestry reported to share features of mild intellectual disability, myopathy, similar facies, and cerebral white matter changes while cardiac dysfunction was reported in some instances. In the same study, this variant was reported to result in aberrant splicing leading to in-frame skipping of exon 8 (Smeland MF et al. Nat Commun, 2019 Oct;10:4457). This variant has also been detected in the heterozygous state in an individual from a sudden cardiac arrest cohort; however, details were limited (Asatryan B et al. Am J Cardiol, 2019 Jun;123:2031-2038). This nucleotide position is highly conserved in available vertebrate species. In silico splice site analysis predicts that this alteration will weaken the native splice donor site. Alterations that disrupt the canonical splice site are expected to cause aberrant splicing, resulting in an abnormal protein or a transcript that is subject to nonsense-mediated mRNA decay. However, loss of function of ABCC9 has not been established as a mechanism of disease. Since supporting evidence is limited at this time, the clinical significance of this alteration remains unclear.

CeGaT Center for Human Genetics Tuebingen
Classification: Pathogenic. Last evaluated: 2021-09-01. Review status: criteria provided, single submitter. Criteria: CeGaT Center For Human Genetics Tuebingen Variant Classification Criteria Version 2. Collection method: clinical testing. Allele origin: germline. Affected: yes. Observed: 1 variant allele.

OMIM
Classification: Pathogenic for INTELLECTUAL DISABILITY AND MYOPATHY SYNDROME. Last evaluated: 2022-01-26. Review status: no assertion criteria provided. Collection method: literature only. Allele origin: germline. Not counted in ClinVar's aggregate classification.

Literature cited by the submitters: PubMed 31575858 (cited by 3 submitters); PubMed 30975432 (cited by Ambry Genetics); PubMed 35653365 (cited by Ambry Genetics).